The following is an entry in ClinVar:

ClinVar aggregate classification (germline): Uncertain significance. Review status: criteria provided, multiple submitters, no conflicts (2 of 4 stars). 2 submissions from 2 submitters: Uncertain significance (2). Last evaluated 2026-07-08.

Conditions:
SACS-related disorder. Also called: SACS-related condition.
Charlevoix-Saguenay spastic ataxia (SACS). Also called: Spastic ataxia of Charlevoix-Saguenay; SPASTIC ATAXIA 6, AUTOSOMAL RECESSIVE; AUTOSOMAL RECESSIVE SPASTIC ATAXIA OF CHARLEVOIX-SAGUENAY. Identifiers: Orphanet 98, MedGen C1849140, MONDO:0010041, OMIM 270550.

gnomAD v4.1: 6 of 1,614,240 alleles (0.00037%); highest among the groups gnomAD compares: African/African-American, 0.004%; no homozygotes.

Submissions (2):

PreventionGenetics, part of Exact Sciences
Classification: Uncertain significance for SACS-related condition. Last evaluated: 2026-07-08. Review status: criteria provided, single submitter. Criteria: ACMG Guidelines, 2015. Collection method: clinical testing. Allele origin: germline.
Comment: The SACS c.1990C>T variant is predicted to result in the amino acid substitution p.Leu664Phe. To our knowledge, this variant has not been reported in the literature. This variant is reported in 0.00088% of alleles in individuals of European (non-Finnish) descent in gnomAD. At this time, the clinical significance of this variant is uncertain due to the absence of conclusive functional and genetic evidence.

Revvity Omics, Revvity
Classification: Uncertain significance for Charlevoix-Saguenay spastic ataxia. Last evaluated: 2021-05-10. Review status: criteria provided, single submitter. Criteria: ACMG Guidelines, 2015. Collection method: clinical testing. Allele origin: germline.

NM_014363.6(SACS):c.1990C>T (p.Leu664Phe)

Gene: SACS (sacsin molecular chaperone; minus strand). Cytogenetic location: 13q12.12.
Variant type: single nucleotide variant.
Coding change: c.1990C>T on transcript NM_014363.6 (MANE Select); coding-DNA position 1990, C replaced by T.
Protein change: p.Leu664Phe; replaces leucine 664 with phenylalanine.
Molecular consequence: missense variant.
Genome position (GRCh38, 1-based): chr13:23,354,622, G>A on the plus strand (C>T on the coding strand, the complement: SACS is on the minus strand). VCF-style: chr13-23354622-G-A. GRCh37 (hg19) VCF-style: chr13-23928761-G-A.
Other names: c.1990C>T (NM_014363.5); c.1549C>T, p.Leu517Phe (NM_001278055.2); short protein forms L517F, L664F.
Identifiers: ClinVar variation 2435641 (VCV002435641.4), dbSNP rs760532575, ClinGen allele CA6911815.